The following is an entry in ClinVar:

ClinVar aggregate classification (germline): Conflicting classifications of pathogenicity. Review status: criteria provided, conflicting classifications (1 of 4 stars). 4 submissions from 4 submitters: Uncertain significance (3); Likely benign (1). Last evaluated 2025-10-16.

Conditions:
Inborn genetic diseases. Identifiers: MedGen C0950123, MeSH D030342.
Mucopolysaccharidosis type 7 (MPS7). Also called: MPS VII; SLY SYNDROME; BETA-GLUCURONIDASE DEFICIENCY; GUSB DEFICIENCY. Identifiers: Orphanet 584, MedGen C0085132, MONDO:0009662, OMIM 253220.

gnomAD v4.1: 22 of 1,518,962 alleles (0.0014%); highest among the groups gnomAD compares: African/African-American, 0.0071%; no homozygotes.

Submissions (4):

Mayo Clinic Laboratories, Mayo Clinic
Classification: Uncertain significance. Last evaluated: 2025-10-16. Review status: criteria provided, single submitter. Criteria: ACMG Guidelines, 2015. Collection method: clinical testing. Allele origin: germline. Observed: 1 variant allele.
Comment: BP4_moderate, PM2_supporting

Ambry Genetics
Classification: Uncertain significance for Inborn genetic diseases. Last evaluated: 2025-02-19. Review status: criteria provided, single submitter. Criteria: Ambry Variant Classification Scheme 2023. Collection method: clinical testing. Allele origin: germline.

3billion
Classification: Likely benign for Mucopolysaccharidosis type 7. Last evaluated: 2024-09-20. Review status: criteria provided, single submitter. Criteria: ACMG Guidelines, 2015. Collection method: clinical testing. Allele origin: germline. Affected: no.
Comment: The homozygous variant was found in patients diagnosed with another variant in a different gene, with no symptoms related to the gene containing the homozygous variant.

Labcorp Genetics (formerly Invitae), Labcorp
Classification: Uncertain significance for Mucopolysaccharidosis type 7. Last evaluated: 2023-10-03. Review status: criteria provided, single submitter. Criteria: Invitae Variant Classification Sherloc (09022015). Collection method: clinical testing. Allele origin: germline.
Comment: This sequence change replaces alanine, which is neutral and non-polar, with serine, which is neutral and polar, at codon 8 of the GUSB protein (p.Ala8Ser). The frequency data for this variant in the population databases is considered unreliable, as metrics indicate poor data quality at this position in the gnomAD database. This variant has not been reported in the literature in individuals affected with GUSB-related conditions. ClinVar contains an entry for this variant (Variation ID: 1064312). An algorithm developed to predict the effect of missense changes on protein structure and function (PolyPhen-2) suggests that this variant¬†is likely to be tolerated. In summary, the available evidence is currently insufficient to determine the role of this variant in disease. Therefore, it has been classified as a Variant of Uncertain Significance.

NM_000181.4(GUSB):c.22G>T (p.Ala8Ser)

Gene: GUSB (glucuronidase beta; minus strand). Cytogenetic location: 7q11.21.
Variant type: single nucleotide variant.
Coding change: c.22G>T on transcript NM_000181.4 (MANE Select); coding-DNA position 22, G replaced by T.
Protein change: p.Ala8Ser; replaces alanine 8 with serine.
Molecular consequence: missense variant. On other transcripts: 5 prime UTR variant (2), non-coding transcript variant (1).
Genome position (GRCh38, 1-based): chr7:65,982,162, C>A on the plus strand (G>T on the coding strand, the complement: GUSB is on the minus strand). VCF-style: chr7-65982162-C-A. GRCh37 (hg19) VCF-style: chr7-65447149-C-A.
Other names: p.Ala8Ser; c.22G>T (NM_000181.3); c.22G>T, p.Ala8Ser (NM_001284290.2); c.-364G>T (NM_001293104.2); c.-308G>T (NM_001293105.2); short protein forms A8S.
Identifiers: ClinVar variation 1064312 (VCV001064312.11), dbSNP rs376505707, ClinGen allele CA4276757.